The following is an entry in ClinVar:

NM_015046.7(SETX):c.5427T>G (p.Asp1809Glu)

Gene: SETX (senataxin; minus strand). Cytogenetic location: 9q34.13.
Variant type: single nucleotide variant.
Coding change: c.5427T>G on transcript NM_015046.7 (MANE Select); coding-DNA position 5427, T replaced by G.
Protein change: p.Asp1809Glu; replaces aspartic acid 1809 with glutamic acid.
Molecular consequence: missense variant.
Genome position (GRCh38, 1-based): chr9:132,300,751, A>C on the plus strand (T>G on the coding strand, the complement: SETX is on the minus strand). VCF-style: chr9-132300751-A-C. GRCh37 (hg19) VCF-style: chr9-135176138-A-C.
Other names: c.5427T>G, p.Asp1809Glu (NM_001351527.2, NM_001351528.2); short protein forms D1809E.
Identifiers: ClinVar variation 2922825 (VCV002922825.5), dbSNP rs978380834, ClinGen allele CA200821960.

ClinVar aggregate classification (germline): Conflicting classifications of pathogenicity. Review status: criteria provided, conflicting classifications (1 of 4 stars). 3 submissions from 3 submitters: Uncertain significance (2); Benign (1). Last evaluated 2025-04-23.

Conditions:
SETX-related disorder. Also called: SETX-related condition; SETX-related disorders. Identifiers: MedGen CN239403.
Amyotrophic lateral sclerosis type 4 (ALS4). Also called: NEURONOPATHY, DISTAL HEREDITARY MOTOR, WITH PYRAMIDAL FEATURES; AMYOTROPHIC LATERAL SCLEROSIS 4, JUVENILE. Identifiers: Orphanet 357043, MedGen C1865409, MONDO:0011223, OMIM 602433.
Spinocerebellar ataxia, autosomal recessive, with axonal neuropathy 2 (SCAN2). Also called: Ataxia-ocular apraxia-2; Ataxia with Oculomotor Apraxia; Ataxia with Oculomotor Apraxia Type 2; ATAXIA-OCULOMOTOR APRAXIA 2. Identifiers: Orphanet 64753, MedGen C1853761, MONDO:0018996, OMIM 606002.

Allele frequency attached by ClinVar (database versions not stated): gnomAD exomes below 0.00001; gnomAD 0.00002; TOPMed 0.00004.
gnomAD v4.1: 9 of 1,613,452 alleles (0.00056%); highest among the groups gnomAD compares: African/African-American, 0.012%; no homozygotes.

Submissions (3):

PreventionGenetics, part of Exact Sciences
Classification: Uncertain significance for SETX-related condition. Last evaluated: 2025-04-23. Review status: criteria provided, single submitter. Criteria: ACMG Guidelines, 2015. Collection method: clinical testing. Allele origin: germline.
Comment: The SETX c.5427T>G variant is predicted to result in the amino acid substitution p.Asp1809Glu. To our knowledge, this variant has not been reported in the literature. This variant is reported in 0.0062% of alleles in individuals of African descent in gnomAD. At this time, the clinical significance of this variant is uncertain due to the absence of conclusive functional and genetic evidence.

Athena Diagnostics
Classification: Uncertain significance. Last evaluated: 2024-01-31. Review status: criteria provided, single submitter. Criteria: Athena Diagnostics Criteria. Collection method: clinical testing. Allele origin: unknown.
Comment: Available data are insufficient to determine the clinical significance of the variant at this time. The frequency of this variant in the general population is uninformative in assessment of its pathogenicity. Computational tools disagree on the variant's effect on normal protein function.

Labcorp Genetics (formerly Invitae), Labcorp
Classification: Benign for Amyotrophic lateral sclerosis type 4; Spinocerebellar ataxia, autosomal recessive, with axonal neuropathy 2. Last evaluated: 2023-11-04. Review status: criteria provided, single submitter. Criteria: Invitae Variant Classification Sherloc (09022015). Collection method: clinical testing. Allele origin: germline.